The following is an entry in ClinVar:

NC_000006.11:g.(?_65098573)_(65149255_?)del

Gene: EYS (eyes shut homolog; minus strand). Cytogenetic location: 6q12.
Variant type: Deletion.
Identifiers: ClinVar variation 1459847 (VCV001459847.7).

ClinVar aggregate classification (germline): Pathogenic (1 of 4 stars; one submission).

Submission:

Labcorp Genetics (formerly Invitae), Labcorp
Classification: Pathogenic. Last evaluated: 2021-12-18. Review status: criteria provided, single submitter. Criteria: Invitae Variant Classification Sherloc (09022015). Collection method: clinical testing. Allele origin: germline.
Comment: For these reasons, this variant has been classified as Pathogenic. This variant has not been reported in the literature in individuals affected with EYS-related conditions. This variant is a gross deletion of the genomic region encompassing exon(s) 27-29 of the EYS gene. This deletion is out-of-frame, and is expected to create a premature termination codon and result in an absent or disrupted protein product. Loss-of-function variants in EYS are known to be pathogenic (PMID: 18836446, 20333770).

Literature cited by the submitters: PubMed 18836446; PubMed 20333770.